The following is an entry in ClinVar:

ClinVar aggregate classification (germline): Uncertain significance (1 of 4 stars; one submission).

Conditions:
Hereditary spastic paraplegia 47. Also called: adaptor protein 4 (AP-4) deficiency syndrome; CEREBRAL PALSY, SPASTIC QUADRIPLEGIC, 5; Spastic paraplegia 47, autosomal recessive. Identifiers: Orphanet 280763, MedGen C3279738, MONDO:0013551, OMIM 614066.

Allele frequency attached by ClinVar (database versions not stated): TOPMed below 0.00001; gnomAD exomes 0.00001.

Submission:

Labcorp Genetics (formerly Invitae), Labcorp
Classification: Uncertain significance for Hereditary spastic paraplegia 47. Last evaluated: 2021-05-27. Review status: criteria provided, single submitter. Criteria: Invitae Variant Classification Sherloc (09022015). Collection method: clinical testing. Allele origin: germline.
Comment: In summary, the available evidence is currently insufficient to determine the role of this variant in disease. Therefore, it has been classified as a Variant of Uncertain Significance. Algorithms developed to predict the effect of missense changes on protein structure and function (SIFT, PolyPhen-2, Align-GVGD) all suggest that this variant is likely to be disruptive, but these predictions have not been confirmed by published functional studies and their clinical significance is uncertain. This variant has not been reported in the literature in individuals with AP4B1-related conditions. This variant is not present in population databases (ExAC no frequency). This sequence change replaces valine with glycine at codon 359 of the AP4B1 protein (p.Val359Gly). The valine residue is moderately conserved and there is a moderate physicochemical difference between valine and glycine.

NM_001253852.3(AP4B1):c.1076T>G (p.Val359Gly)

Genes: AP4B1 (adaptor related protein complex 4 subunit beta 1; minus strand), AP4B1-AS1 (AP4B1 antisense RNA 1; plus strand). Cytogenetic location: 1p13.2.
Variant type: single nucleotide variant.
Coding change: c.1076T>G on transcript NM_001253852.3 (MANE Select); coding-DNA position 1076, T replaced by G.
Protein change: p.Val359Gly; replaces valine 359 with glycine.
Molecular consequence: missense variant. On other transcripts: non-coding transcript variant (2).
Genome position (GRCh38, 1-based): chr1:113,899,942, A>C on the plus strand (T>G on the coding strand, the complement: AP4B1 is on the minus strand). VCF-style: chr1-113899942-A-C. GRCh37 (hg19) VCF-style: chr1-114442564-A-C.
Other names: c.779T>G, p.Val260Gly (NM_001253853.3); c.572T>G, p.Val191Gly (NM_001308312.2); c.1076T>G, p.Val359Gly (NM_006594.5); short protein forms V359G, V191G, V260G.
Identifiers: ClinVar variation 1397837 (VCV001397837.8), dbSNP rs1668009628, ClinGen allele CA341712513.